The following is an entry in ClinVar:

NM_000135.4(FANCA):c.1805C>T (p.Ala602Val)

Gene: FANCA (FA complementation group A; minus strand). Cytogenetic location: 16q24.3.
Variant type: single nucleotide variant.
Coding change: c.1805C>T on transcript NM_000135.4 (MANE Select); coding-DNA position 1805, C replaced by T.
Protein change: p.Ala602Val; replaces alanine 602 with valine.
Molecular consequence: missense variant.
Genome position (GRCh38, 1-based): chr16:89,778,822, G>A on the plus strand (C>T on the coding strand, the complement: FANCA is on the minus strand). VCF-style: chr16-89778822-G-A. GRCh37 (hg19) VCF-style: chr16-89845230-G-A.
Other names: c.1805C>T, p.Ala602Val (NM_001286167.3); c.1805C>T (NM_000135.3); short protein forms A602V.
Identifiers: ClinVar variation 887623 (VCV000887623.12), dbSNP rs374968669, ClinGen allele CA8252064.

ClinVar aggregate classification (germline): Uncertain significance. Review status: criteria provided, multiple submitters, no conflicts (2 of 4 stars). 4 submissions from 4 submitters: Uncertain significance (4). Last evaluated 2025-03-17.

Conditions:
Fanconi anemia (FA). Also called: Fanconi's anemia. Identifiers: Orphanet 84, MedGen C0015625, MeSH D005199, MONDO:0019391.
Fanconi anemia complementation group A (FANCA). Also called: FANCA-Related Fanconi Anemia; Fanconi anemia, group A. Identifiers: Orphanet 84, MedGen C3469521, MONDO:0009215, OMIM 227650.

Allele frequency attached by ClinVar (database versions not stated): ExAC 0.00003; TOPMed 0.00005; ESP Exome Variant Server 0.00015.
gnomAD v4.1: 30 of 1,613,810 alleles (0.0019%); highest among the groups gnomAD compares: African/African-American, 0.0027%; no homozygotes.

Submissions (5):

Quest Diagnostics Nichols Institute San Juan Capistrano
Classification: Uncertain significance. Last evaluated: 2025-03-17. Review status: criteria provided, single submitter. Criteria: Quest Diagnostics criteria. Collection method: clinical testing. Allele origin: unknown.
Comment: The FANCA c.1805C>T (p.Ala602Val) variant has been identified in an individual with breast cancer as well as in a reportedly healthy individual in a case-control study (PMID: 35884425 (2022)). The frequency of this variant in the general population (Genome Aggregation Database) is uninformative in the assessment of its pathogenicity. Analysis of this variant using bioinformatics tools for the prediction of the effect of amino acid changes on protein structure and function yielded predictions that this variant is benign. Based on the available information, we are unable to determine the clinical significance of this variant.

Labcorp Genetics (formerly Invitae), Labcorp
Classification: Uncertain significance for Fanconi anemia. Last evaluated: 2024-09-06. Review status: criteria provided, single submitter. Criteria: Invitae Variant Classification Sherloc (09022015). Collection method: clinical testing. Allele origin: germline.
Comment: This sequence change replaces alanine, which is neutral and non-polar, with valine, which is neutral and non-polar, at codon 602 of the FANCA protein (p.Ala602Val). The frequency data for this variant in the population databases is considered unreliable, as metrics indicate poor data quality at this position in the gnomAD database. This variant has not been reported in the literature in individuals affected with FANCA-related conditions. ClinVar contains an entry for this variant (Variation ID: 887623). Invitae Evidence Modeling of protein sequence and biophysical properties (such as structural, functional, and spatial information, amino acid conservation, physicochemical variation, residue mobility, and thermodynamic stability) indicates that this missense variant is not expected to disrupt FANCA protein function with a negative predictive value of 80%. In summary, the available evidence is currently insufficient to determine the role of this variant in disease. Therefore, it has been classified as a Variant of Uncertain Significance.

Fulgent Genetics
Classification: Uncertain significance for Fanconi anemia complementation group A. Last evaluated: 2023-12-26. Review status: criteria provided, single submitter. Criteria: ACMG Guidelines, 2015. Collection method: clinical testing. Allele origin: germline.

Illumina Laboratory Services, Illumina
Classification: Uncertain significance for Fanconi anemia complementation group A. Last evaluated: 2018-01-13. Review status: criteria provided, single submitter. Criteria: ICSL Variant Classification Criteria 13 December 2019. Collection method: clinical testing. Allele origin: germline.

Dr. Peter K. Rogan Lab, Western University
No classification provided (evidence only). Condition: Uterine corpus endometrial carcinoma. Review status: no classification provided. Collection method: in vitro. Allele origin: not applicable. Functional consequence: retained intron. Not counted in ClinVar's aggregate classification.

Literature cited by the submitters: PubMed 35884425 (cited by Quest Diagnostics Nichols Institute San Juan Capistrano).